The following is an entry in ClinVar:

ClinVar aggregate classification (germline): Likely benign. Review status: criteria provided, single submitter (1 of 4 stars). 2 submissions from 2 submitters: Likely benign (1). 1 of the submissions does not count toward it. Last evaluated 2025-11-03.

Conditions:
CDC73-related disorder. Also called: CDC73-related condition; CDC73-related disorders. Identifiers: MedGen CN169292.
Parathyroid carcinoma (PRTC). Also called: CDC73-Related Parathyroid Carcinoma; Parathyroid gland carcinoma. Identifiers: Orphanet 143, MedGen C0687150, MONDO:0012004, OMIM 608266, HP:0006780.

Allele frequency attached by ClinVar (database versions not stated): gnomAD exomes below 0.00001.
gnomAD v4.1: 1 of 1,604,728 alleles (0.000062%); highest among the groups gnomAD compares: Non-Finnish European, 0.000085%; no homozygotes.

Submissions (2):

Labcorp Genetics (formerly Invitae), Labcorp
Classification: Likely benign for Parathyroid carcinoma. Last evaluated: 2025-11-03. Review status: criteria provided, single submitter. Criteria: Invitae Variant Classification Sherloc (09022015). Collection method: clinical testing. Allele origin: germline.

PreventionGenetics, part of Exact Sciences
Classification: Likely benign for CDC73-related condition. Last evaluated: 2022-04-11. Review status: no assertion criteria provided. Collection method: clinical testing. Allele origin: germline. Not counted in ClinVar's aggregate classification.
Comment: This variant is classified as likely benign based on ACMG/AMP sequence variant interpretation guidelines (Richards et al. 2015 PMID: 25741868, with internal and published modifications).

NM_024529.5(CDC73):c.1418-7T>C

Gene: CDC73 (cell division cycle 73; plus strand). Cytogenetic location: 1q31.2.
Variant type: single nucleotide variant.
Coding change: c.1418-7T>C on transcript NM_024529.5 (MANE Select); 7 bases into the intron before coding-DNA position 1418, T replaced by C.
Molecular consequence: intron variant.
Genome position (GRCh38, 1-based): chr1:193,249,723, T>C. VCF-style: chr1-193249723-T-C. GRCh37 (hg19) VCF-style: chr1-193218853-T-C.
Other names: c.1418-7T>C (NM_024529.4).
Identifiers: ClinVar variation 1556114 (VCV001556114.10), dbSNP rs2102073224, ClinGen allele CA2573131402.